The following is an entry in ClinVar:

ClinVar aggregate classification (germline): Uncertain significance (1 of 4 stars; one submission).

Conditions:
Sifrim-Hitz-Weiss syndrome (SIHIWES). Also called: SIFRIM-HITZ-WEISS MULTIPLE CONGENITAL ANOMALIES-MENTAL RETARDATION SYNDROME; CHD4 Neurodevelopmental Disorder. Identifiers: Orphanet 653712, MedGen C4310688, MONDO:0014946, OMIM 617159.

Allele frequency attached by ClinVar (database versions not stated): gnomAD exomes below 0.00001; TOPMed below 0.00001; gnomAD 0.00001.
gnomAD v4.1: 5 of 1,595,556 alleles (0.00031%); highest among the groups gnomAD compares: Non-Finnish European, 0.00043%; no homozygotes.

Submission:

Centre of Medical Genetics, University Hospital Muenster
Classification: Uncertain significance for Sifrim-Hitz-Weiss syndrome. Last evaluated: 2022-01-26. Review status: criteria provided, single submitter. Criteria: ACMG Guidelines, 2015. Collection method: clinical testing. Allele origin: germline. Affected: yes. Observed: 1 variant allele, 1 heterozygote.
Comment: ACMG categories: BP1

NM_001273.5(CHD4):c.5411A>G (p.Tyr1804Cys)

Genes: CHD4-AS1 (CHD4 antisense RNA 1; plus strand), CHD4 (chromodomain helicase DNA binding protein 4; minus strand). Cytogenetic location: 12p13.31.
Variant type: single nucleotide variant.
Coding change: c.5411A>G on transcript NM_001273.5 (MANE Select); coding-DNA position 5411, A replaced by G.
Protein change: p.Tyr1804Cys; replaces tyrosine 1804 with cysteine.
Molecular consequence: missense variant.
Genome position (GRCh38, 1-based): chr12:6,573,220, T>C on the plus strand (A>G on the coding strand, the complement: CHD4 is on the minus strand). VCF-style: chr12-6573220-T-C. GRCh37 (hg19) VCF-style: chr12-6682386-T-C.
Other names: c.5390A>G, p.Tyr1797Cys (NM_001297553.2); c.5378A>G, p.Tyr1793Cys (NM_001363606.2); short protein forms Y1793C, Y1797C, Y1804C.
Identifiers: ClinVar variation 1675175 (VCV001675175.2), dbSNP rs1212836850, ClinGen allele CA383636302.